The following is an entry in ClinVar:

ClinVar aggregate classification (germline): Pathogenic (1 of 4 stars; one submission).

Conditions:
Myofibrillar myopathy 5. Also called: Filaminopathy (type); FILAMINOPATHY, AUTOSOMAL DOMINANT. Identifiers: Orphanet 171445, MedGen C1836050, MONDO:0012289, OMIM 609524.
Distal myopathy with posterior leg and anterior hand involvement. Also called: WILLIAMS DISTAL MYOPATHY. Identifiers: Orphanet 63273, MedGen C3279722, MONDO:0013550, OMIM 614065.
Hypertrophic cardiomyopathy 26. Also called: Cardiomyopathy, familial hypertrophic, 26. Identifiers: Orphanet 75249, MedGen C4310749, MONDO:0014883, OMIM 617047.

Submission:

Labcorp Genetics (formerly Invitae), Labcorp
Classification: Pathogenic for Distal myopathy with posterior leg and anterior hand involvement; Myofibrillar myopathy 5; Hypertrophic cardiomyopathy 26. Last evaluated: 2023-08-22. Review status: criteria provided, single submitter. Criteria: Invitae Variant Classification Sherloc (09022015). Collection method: clinical testing. Allele origin: germline.
Comment: This sequence change creates a premature translational stop signal (p.Gln936Hisfs*41) in the FLNC gene. It is expected to result in an absent or disrupted protein product. Loss-of-function variants in FLNC are known to be pathogenic (PMID: 27908349). This variant is not present in population databases (gnomAD no frequency). For these reasons, this variant has been classified as Pathogenic. This variant has not been reported in the literature in individuals affected with FLNC-related conditions.

Literature cited by the submitters: PubMed 27908349.

NM_001458.5(FLNC):c.2804_2807dup (p.Gln936fs)

Gene: FLNC (filamin C; plus strand). Cytogenetic location: 7q32.1.
Variant type: Duplication.
Coding change: c.2804_2807dup on transcript NM_001458.5 (MANE Select); coding-DNA positions 2804 to 2807, 4 bases duplicated (TCCA; older notation c.2804_2807dupTCCA).
Protein change: p.Gln936fs; shifts the reading frame from glutamine 936.
Molecular consequence: frameshift variant.
Genome position (GRCh38, 1-based): chr7:128,843,570-128,843,573, TCCA duplicated. VCF-style (leftmost placement, unchanged base first): chr7-128843569-G-GTCCA. GRCh37 (hg19) VCF-style: chr7-128483623-G-GTCCA.
Other names: c.2804_2807dup, p.Gln936fs (NM_001127487.2); short protein forms Q936fs.
Identifiers: ClinVar variation 2951186 (VCV002951186.3), dbSNP rs2536634089, ClinGen allele CA2740097565.